The following is an entry in ClinVar:

ClinVar aggregate classification (germline): Pathogenic (1 of 4 stars; one submission).

Submission:

Labcorp Genetics (formerly Invitae), Labcorp
Classification: Pathogenic. Last evaluated: 2025-04-23. Review status: criteria provided, single submitter. Criteria: Invitae Variant Classification Sherloc (09022015). Collection method: clinical testing. Allele origin: germline.
Comment: This sequence change creates a premature translational stop signal (p.Gln459Serfs*10) in the DONSON gene. It is expected to result in an absent or disrupted protein product. Loss-of-function variants in DONSON are known to be pathogenic (PMID: 28191891, 28630177). This variant is present in population databases (rs775673237, gnomAD 0.04%). This variant has not been reported in the literature in individuals affected with DONSON-related conditions. For these reasons, this variant has been classified as Pathogenic.

Literature cited by the submitters: PubMed 28191891; PubMed 28630177.

NM_017613.4(DONSON):c.1375_1376del (p.Gln459fs)

Gene: DONSON (DNA replication fork stabilization factor DONSON; minus strand). Cytogenetic location: 21q22.11.
Variant type: Microsatellite.
Coding change: c.1375_1376del on transcript NM_017613.4 (MANE Select); coding-DNA positions 1375 to 1376, 2 bases deleted (CA; older notation c.1375_1376delCA).
Protein change: p.Gln459fs; shifts the reading frame from glutamine 459.
Molecular consequence: frameshift variant.
Genome position (GRCh38, 1-based): chr21:33,579,537-33,579,538, TG deleted on the plus strand (CA on the coding strand, the reverse complement: DONSON is on the minus strand); deleting any 2 consecutive bases within chr21:33,579,537-33,579,541 gives the same sequence; the c. name uses the placement nearest the transcript's 3' end. VCF-style (leftmost placement, unchanged base first): chr21-33579536-TTG-T. GRCh37 (hg19) VCF-style: chr21-34951842-TTG-T.
Other names: short protein forms Q459fs.
Identifiers: ClinVar variation 2875690 (VCV002875690.3), dbSNP rs775673237, ClinGen allele CA10010326.
Genomic context (GRCh38, chr21:33,579,536, plus strand): 5'-ATGAGGCATGATAGGACCTGTAATCTCCAAACTAAATTGGTCTCTGTATCCAGAAAGAGC[TTG>T]TGTCTTCACATTCACACTCCGTGCCTTCATGAAAATGTAAAGAAAAGGAAAATTAAGATC-3'